The following is an entry in ClinVar:

ClinVar aggregate classification (germline): Uncertain significance (1 of 4 stars; one submission).

Conditions:
Hereditary pancreatitis (PCTT). Also called: Hereditary chronic pancreatitis; PRSS1-Related Hereditary Pancreatitis. Identifiers: Orphanet 676, MedGen C0238339, MONDO:0008185, OMIM 167800.

Submission:

Ambry Genetics
Classification: Uncertain significance for Hereditary pancreatitis. Last evaluated: 2025-10-19. Review status: criteria provided, single submitter. Criteria: Ambry Variant Classification Scheme 2023. Collection method: clinical testing. Allele origin: germline.
Comment: The p.H183N variant (also known as c.547C>A), located in coding exon 6 of the CTRC gene, results from a C to A substitution at nucleotide position 547. The histidine at codon 183 is replaced by asparagine, an amino acid with similar properties. This amino acid position is conserved. In addition, this alteration is predicted to be tolerated by in silico analysis. Since supporting evidence is limited at this time, the clinical significance of this alteration remains unclear.

NM_007272.3(CTRC):c.547C>A (p.His183Asn)

Gene: CTRC (chymotrypsin C; plus strand). Cytogenetic location: 1p36.21.
Variant type: single nucleotide variant.
Coding change: c.547C>A on transcript NM_007272.3 (MANE Select); coding-DNA position 547, C replaced by A.
Protein change: p.His183Asn; replaces histidine 183 with asparagine.
Molecular consequence: missense variant.
Genome position (GRCh38, 1-based): chr1:15,444,659, C>A. VCF-style: chr1-15444659-C-A. GRCh37 (hg19) VCF-style: chr1-15771154-C-A.
Other names: short protein forms H183N.
Identifiers: ClinVar variation 3226079 (VCV003226079.2), dbSNP rs2526301313, ClinGen allele CA338567118.
Genomic context (GRCh38, chr1:15,444,659, plus strand): 5'-TCCCCAGCCAACGGCCCCATTGCTGATAAGCTGCAGCAGGGCCTGCAGCCCGTGGTGGAT[C>A]ACGCCACGTGCTCCAGGATTGACTGGTGGGGCTTCAGGGTGAAGAAAACCATGGTGTGCG-3'
Protein context (NP_009203.2, residues 173-193): LQQGLQPVVD[His183Asn]ATCSRIDWWG